The following is an entry in ClinVar:

NM_001006630.2(CHRM2):c.8A>G (p.Asn3Ser)

Genes: CHRM2 (cholinergic receptor muscarinic 2; plus strand), LOC349160 (uncharacterized LOC349160; minus strand). Cytogenetic location: 7q33.
Variant type: single nucleotide variant.
Coding change: c.8A>G on transcript NM_001006630.2 (MANE Select); coding-DNA position 8, A replaced by G.
Protein change: p.Asn3Ser; replaces asparagine 3 with serine.
Molecular consequence: missense variant.
Genome position (GRCh38, 1-based): chr7:137,014,873, A>G. VCF-style: chr7-137014873-A-G. GRCh37 (hg19) VCF-style: chr7-136699620-A-G.
Other names: c.8A>G, p.Asn3Ser (NM_000739.3, NM_001006626.3, NM_001006627.3 and 6 more transcripts); short protein forms N3S.
Identifiers: ClinVar variation 2894574 (VCV002894574.3), dbSNP rs745612214, ClinGen allele CA4500484.
Genomic context (GRCh38, chr7:137,014,873, plus strand): 5'-CTTGCAGGTTTAAATGTTTATTTGCTACTTGGCTACTGATTAGAGAACGCAAAATGAATA[A>G]CTCAACAAACTCCTCTAACAATAGCCTGGCTCTTACAAGTCCTTATAAGACATTTGAAGT-3'
Protein context (NP_001006631.1, residues 1-13): MN[Asn3Ser]STNSSNNSLA

ClinVar aggregate classification (germline): Uncertain significance (1 of 4 stars; one submission).

Allele frequency attached by ClinVar (database versions not stated): TOPMed below 0.00001; ExAC 0.00001; gnomAD 0.00001; gnomAD exomes 0.00001.
gnomAD v4.1: 17 of 1,612,820 alleles (0.0011%); highest among the groups gnomAD compares: Non-Finnish European, 0.0013%; no homozygotes.

Submission:

Labcorp Genetics (formerly Invitae), Labcorp
Classification: Uncertain significance. Last evaluated: 2023-12-24. Review status: criteria provided, single submitter. Criteria: Invitae Variant Classification Sherloc (09022015). Collection method: clinical testing. Allele origin: germline.
Comment: This sequence change replaces asparagine, which is neutral and polar, with serine, which is neutral and polar, at codon 3 of the CHRM2 protein (p.Asn3Ser). This variant is present in population databases (rs745612214, gnomAD 0.002%). This variant has not been reported in the literature in individuals affected with CHRM2-related conditions. Experimental studies and prediction algorithms are not available or were not evaluated, and the functional significance of this variant is currently unknown. In summary, the available evidence is currently insufficient to determine the role of this variant in disease. Therefore, it has been classified as a Variant of Uncertain Significance.